The following is an entry in ClinVar:

NM_024426.6(WT1):c.1122_1124delinsGCC (p.Arg375Pro)

Gene: WT1 (WT1 transcription factor; minus strand). Cytogenetic location: 11p13.
Variant type: Indel.
Coding change: c.1122_1124delinsGCC on transcript NM_024426.6 (MANE Select); coding-DNA positions 1122 to 1124, ACG replaced by GCC.
Protein change: p.Arg375Pro; replaces arginine 375 with proline.
Molecular consequence: missense variant. On other transcripts: 5 prime UTR variant (1), non-coding transcript variant (2).
Genome position (GRCh38, 1-based): chr11:32,396,397-32,396,399, CGT replaced by GGC on the plus strand (ACG replaced by GCC on the coding strand, the reverse complement: WT1 is on the minus strand). VCF-style: chr11-32396397-CGT-GGC. GRCh37 (hg19) VCF-style: chr11-32417943-CGT-GGC.
Other names: c.1071_1073delinsGCC, p.Arg358Pro (NM_000378.6, NM_001407045.1, NM_001407048.1 and 1 more transcripts); c.471_473delinsGCC, p.Arg158Pro (NM_001198551.2); c.420_422delinsGCC, p.Arg141Pro (NM_001198552.2); c.-67_-65delinsGCC (NM_001367854.1); c.1116_1118delinsGCC, p.Arg373Pro (NM_001407044.1); c.1122_1124delinsGCC, p.Arg375Pro (NM_001407046.1, NM_024424.5); c.999_1001delinsGCC, p.Arg334Pro (NM_001407047.1); c.948_950delinsGCC, p.Arg317Pro (NM_001407050.1); and 3 more; short protein forms R158P, R285P, R317P, R358P, R373P, R375P, R334P, R121P.
Identifiers: ClinVar variation 3982437 (VCV003982437.1).
Genomic context (GRCh38, chr11:32,396,397, plus strand): 5'-GGGCGTTTCTCACTGGTCTCAGATGCCGACCGTACAAGAGTCGGGGCTACTCCAGGCACA[CGT>GGC]CGCACATCCTGCAGGCAGAGAGTAAGAGGAAGGGAGGCTTTAAGCCACATGTGAACATTC-3'
Protein context (NP_077744.4, residues 365-385): GVFRGIQDVR[Arg375Pro]VPGVAPTLVR

ClinVar aggregate classification (germline): Uncertain significance (1 of 4 stars; one submission).

Conditions:
Inborn genetic diseases. Identifiers: MedGen C0950123, MeSH D030342.

Submission:

Ambry Genetics
Classification: Uncertain significance for Inborn genetic diseases. Last evaluated: 2025-04-15. Review status: criteria provided, single submitter. Criteria: Ambry Variant Classification Scheme 2023. Collection method: clinical testing. Allele origin: germline.
Comment: The c.1107_1109delACGinsGCC variant, located in coding exon 7 of the WT1 gene, results from an in-frame deletion of ACG and insertion of GCC at nucleotide positions 1107 to 1109. This results in the substitution of the arginine residue for a proline residue at codon 370, an amino acid with dissimilar properties. This amino acid position is highly conserved in available vertebrate species. In addition, this alteration is predicted to be deleterious by in silico analysis. Based on the available evidence, the clinical significance of this variant remains unclear.